The following is an entry in ClinVar:

NM_014927.5(CNKSR2):c.3014C>A (p.Thr1005Asn)

Gene: CNKSR2 (connector enhancer of kinase suppressor of Ras 2; plus strand). Cytogenetic location: Xp22.12.
Variant type: single nucleotide variant.
Coding change: c.3014C>A on transcript NM_014927.5 (MANE Select); coding-DNA position 3014, C replaced by A.
Protein change: p.Thr1005Asn; replaces threonine 1005 with asparagine.
Molecular consequence: missense variant.
Genome position (GRCh38, 1-based): chrX:21,652,430, C>A. VCF-style: chrX-21652430-C-A. GRCh37 (hg19) VCF-style: chrX-21670548-C-A.
Other names: c.2924C>A, p.Thr975Asn (NM_001168647.3); c.2867C>A, p.Thr956Asn (NM_001330770.2); c.2777C>A, p.Thr926Asn (NM_001330772.2); short protein forms T1005N, T926N, T956N, T975N.
Identifiers: ClinVar variation 1700288 (VCV001700288.2), dbSNP rs2147349821, ClinGen allele CA412554582.

ClinVar aggregate classification (germline): Uncertain significance (1 of 4 stars; one submission).

Submission:

GeneDx
Classification: Uncertain significance. Last evaluated: 2022-08-02. Review status: criteria provided, single submitter. Criteria: GeneDx Variant Classification Process June 2021. Collection method: clinical testing. Allele origin: germline. Affected: yes.
Comment: Not observed at significant frequency in large population cohorts (gnomAD); In silico analysis supports that this missense variant does not alter protein structure/function; Has not been previously published as pathogenic or benign to our knowledge; This variant is associated with the following publications: (PMID: 27535533)